The following is an entry in ClinVar:

ClinVar aggregate classification (germline): Conflicting classifications of pathogenicity. Review status: criteria provided, conflicting classifications (1 of 4 stars). 2 submissions from 2 submitters: Uncertain significance (1); Likely benign (1). Last evaluated 2023-03-23.

Conditions:
Hereditary breast ovarian cancer syndrome. Also called: Breast and ovarian cancer; BRCA1- and BRCA2-Associated Hereditary Breast and Ovarian Cancer; Hereditary breast and ovarian cancer; Hereditary breast and/or ovarian cancer syndrome; Hereditary breast and ovarian cancer syndrome; Hereditary breast and ovarian cancer syndrome (HBOC). Identifiers: Orphanet 145, MedGen C0677776, MeSH D061325, MONDO:0003582. Disease mechanism: loss of function.
Hereditary cancer-predisposing syndrome. Also called: Neoplastic Syndromes, Hereditary; Tumor predisposition; Hereditary Cancer Syndrome; Hereditary neoplastic syndrome. Identifiers: Orphanet 140162, MedGen C0027672, MeSH D009386, MONDO:0015356.

Allele frequency attached by ClinVar (database versions not stated): gnomAD exomes below 0.00001.
gnomAD v4.1: 2 of 1,611,980 alleles (0.00012%); highest among the groups gnomAD compares: South Asian, 0.0022%; no homozygotes.

Submissions (2):

University of Washington Department of Laboratory Medicine, University of Washington
Classification: Likely benign for Hereditary cancer-predisposing syndrome. Last evaluated: 2023-03-23. Review status: criteria provided, single submitter. Criteria: Dines et al. (Genet Med. 2020). Collection method: curation. Allele origin: germline.
Comment: Missense variant in a coldspot region where missense variants are very unlikely to be pathogenic (PMID:31911673).

BRCA2 exon 11 coldspot. Reclassification based on statistical prior probability.

Labcorp Genetics (formerly Invitae), Labcorp
Classification: Uncertain significance for Hereditary breast ovarian cancer syndrome. Last evaluated: 2019-10-21. Review status: criteria provided, single submitter. Criteria: Invitae Variant Classification Sherloc (09022015). Collection method: clinical testing. Allele origin: germline.
Comment: In summary, the available evidence is currently insufficient to determine the role of this variant in disease. Therefore, it has been classified as a Variant of Uncertain Significance. Algorithms developed to predict the effect of missense changes on protein structure and function output the following: SIFT: "Tolerated"; PolyPhen-2: "Benign"; Align-GVGD: "Class C0". The proline amino acid residue is found in multiple mammalian species, suggesting that this missense change does not adversely affect protein function. These predictions have not been confirmed by published functional studies and their clinical significance is uncertain. This variant has not been reported in the literature in individuals with BRCA2-related disease. This variant is not present in population databases (ExAC no frequency). This sequence change replaces serine with proline at codon 805 of the BRCA2 protein (p.Ser805Pro). The serine residue is weakly conserved and there is a moderate physicochemical difference between serine and proline.

NM_000059.4(BRCA2):c.2413T>C (p.Ser805Pro)

Gene: BRCA2 (BRCA2 DNA repair associated; plus strand). Cytogenetic location: 13q13.1.
Variant type: single nucleotide variant.
Coding change: c.2413T>C on transcript NM_000059.4 (MANE Select); coding-DNA position 2413, T replaced by C.
Protein change: p.Ser805Pro; replaces serine 805 with proline.
Molecular consequence: missense variant.
Genome position (GRCh38, 1-based): chr13:32,336,768, T>C. VCF-style: chr13-32336768-T-C. GRCh37 (hg19) VCF-style: chr13-32910905-T-C.
Other names: short protein forms S805P.
Identifiers: ClinVar variation 651526 (VCV000651526.12), dbSNP rs1593896883, ClinGen allele CA387772048.
Genomic context (GRCh38, chr13:32,336,768, plus strand): 5'-ATTTCTAGAGGCAAAGAATCATACAAAATGTCAGACAAGCTCAAAGGTAACAATTATGAA[T>C]CTGATGTTGAATTAACCAAAAATATTCCCATGGAAAAGAATCAAGATGTATGTGCTTTAA-3'
Protein context (NP_000050.3, residues 795-815): SDKLKGNNYE[Ser805Pro]DVELTKNIPM